The following is an entry in ClinVar:

ClinVar aggregate classification (germline): Pathogenic (1 of 4 stars; one submission).

Conditions:
Neuronal ceroid lipofuscinosis. Also called: Neuronal Ceroid Lipofuscinoses. Identifiers: Orphanet 216, Orphanet 79263, MedGen C0027877, MONDO:0016295. Disease mechanism: loss of function.

Submission:

Labcorp Genetics (formerly Invitae), Labcorp
Classification: Pathogenic for Neuronal ceroid lipofuscinosis. Last evaluated: 2025-06-15. Review status: criteria provided, single submitter. Criteria: Invitae Variant Classification Sherloc (09022015). Collection method: clinical testing. Allele origin: germline.
Comment: This sequence change affects the initiator codon of the CLN6 mRNA. This change may impact translation initiation or efficiency. The next in-frame methionine is located at codon 66. This variant is not present in population databases (gnomAD no frequency). This variant has not been reported in the literature in individuals affected with CLN6-related conditions. This variant disrupts a region of the CLN6 protein in which other variant(s) (p.Arg62Cys) have been determined to be pathogenic (PMID: 12815591, 19135028, 31216804). This suggests that this is a clinically significant region of the protein, and that variants that disrupt it are likely to be disease-causing. For these reasons, this variant has been classified as Pathogenic.

Literature cited by the submitters: PubMed 12815591; PubMed 19135028; PubMed 31216804.

NM_017882.3(CLN6):c.1_2del (p.Met1fs)

Gene: CLN6 (CLN6 transmembrane ER protein; minus strand). Cytogenetic location: 15q23.
Variant type: Deletion.
Coding change: c.1_2del on transcript NM_017882.3 (MANE Select); coding-DNA positions 1 to 2, 2 bases deleted (AT; older notation c.1_2delAT).
Protein change: p.Met1fs; shifts the reading frame from methionine 1.
Molecular consequence: frameshift variant, initiator codon variant. On other transcripts: intron variant (1).
Genome position (GRCh38, 1-based): chr15:68,229,583-68,229,584, AT deleted on the plus strand (AT on the coding strand, the reverse complement: CLN6 is on the minus strand). VCF-style (leftmost placement, unchanged base first): chr15-68229582-CAT-C. GRCh37 (hg19) VCF-style: chr15-68521920-CAT-C.
Other names: c.180-10934_180-10933del (NM_001411068.1); short protein forms M1fs.
Identifiers: ClinVar variation 4721053 (VCV004721053.1).